The following is an entry in ClinVar:

ClinVar aggregate classification (germline): Benign/Likely benign. Review status: criteria provided, multiple submitters, no conflicts (2 of 4 stars). 4 submissions from 4 submitters: Benign (1); Likely benign (3). Last evaluated 2025-08-13.

Conditions:
Hereditary cancer-predisposing syndrome. Also called: Hereditary Cancer Syndrome; Neoplastic Syndromes, Hereditary; Tumor predisposition; Hereditary neoplastic syndrome. Identifiers: Orphanet 140162, MedGen C0027672, MeSH D009386, MONDO:0015356.
Familial cancer of breast. Also called: BREAST CANCER, FAMILIAL; Hereditary breast cancer; hereditary breast carcinoma. Identifiers: Orphanet 227535, MedGen C0346153, MONDO:0016419, OMIM 114480. Disease mechanism: loss of function.
Ataxia-telangiectasia syndrome (AT). Also called: Ataxia-telangiectasia, complementation group D; AT, COMPLEMENTATION GROUP C; ATAXIA-TELANGIECTASIA, COMPLEMENTATION GROUP A; ATAXIA-TELANGIECTASIA, FRESNO VARIANT; Ataxia-telangiectasia; LOUIS-BAR SYNDROME. Identifiers: Orphanet 100, MedGen C0004135, MONDO:0008840, OMIM 208900.

Allele frequency attached by ClinVar (database versions not stated): gnomAD exomes below 0.00001; ExAC 0.00001; ESP Exome Variant Server 0.00008.

Submissions (4):

Labcorp Genetics (formerly Invitae), Labcorp
Classification: Likely benign for Ataxia-telangiectasia syndrome. Last evaluated: 2025-08-13. Review status: criteria provided, single submitter. Criteria: Invitae Variant Classification Sherloc (09022015). Collection method: clinical testing. Allele origin: germline.

Myriad Genetics, Inc.
Classification: Benign for Familial cancer of breast. Last evaluated: 2024-05-06. Review status: criteria provided, single submitter. Criteria: Myriad Autosomal Dominant, Autosomal Recessive and X-Linked Classification Criteria (2023). Collection method: clinical testing. Allele origin: unknown.
Comment: This variant is considered benign. This variant is a silent/synonymous amino acid change and it is not expected to impact splicing.

GeneDx
Classification: Likely benign. Last evaluated: 2019-12-04. Review status: criteria provided, single submitter. Criteria: GeneDx Variant Classification Process June 2021. Collection method: clinical testing. Allele origin: germline. Affected: yes.

Ambry Genetics
Classification: Likely benign for Hereditary cancer-predisposing syndrome. Last evaluated: 2014-12-22. Review status: criteria provided, single submitter. Criteria: Ambry Variant Classification Scheme 2023. Collection method: clinical testing. Allele origin: germline.

NM_000051.4(ATM):c.2028C>T (p.Ser676=)

Gene: ATM (ATM serine/threonine kinase; plus strand). Cytogenetic location: 11q22.3.
Variant type: single nucleotide variant.
Coding change: c.2028C>T on transcript NM_000051.4 (MANE Select); coding-DNA position 2028, C replaced by T.
Protein change: p.Ser676=; no amino-acid change (serine 676 retained).
Molecular consequence: synonymous variant.
Genome position (GRCh38, 1-based): chr11:108,253,943, C>T. VCF-style: chr11-108253943-C-T. GRCh37 (hg19) VCF-style: chr11-108124670-C-T.
Other names: c.2028C>T, p.Ser676= (NM_001351834.2).
Identifiers: ClinVar variation 187600 (VCV000187600.18), dbSNP rs375196053, ClinGen allele CA198053.